The following is an entry in ClinVar:

NM_004415.4(DSP):c.6116T>A (p.Leu2039Ter)

Gene: DSP (desmoplakin; plus strand). Cytogenetic location: 6p24.3.
Variant type: single nucleotide variant.
Coding change: c.6116T>A on transcript NM_004415.4 (MANE Select); coding-DNA position 6116, T replaced by A.
Protein change: p.Leu2039Ter; replaces leucine 2039 with a stop codon.
Molecular consequence: nonsense.
Genome position (GRCh38, 1-based): chr6:7,583,378, T>A. VCF-style: chr6-7583378-T-A. GRCh37 (hg19) VCF-style: chr6-7583611-T-A.
Other names: c.4319T>A, p.Leu1440Ter (NM_001008844.3); c.4787T>A, p.Leu1596Ter (NM_001319034.2); short protein forms L1440*, L1596*, L2039*.
Identifiers: ClinVar variation 4870133 (VCV004870133.1).

ClinVar aggregate classification (germline): Pathogenic (1 of 4 stars; one submission).

Conditions:
Cardiovascular phenotype. Identifiers: MedGen CN230736.

Submission:

Ambry Genetics
Classification: Pathogenic for Cardiovascular phenotype. Last evaluated: 2026-05-15. Review status: criteria provided, single submitter. Criteria: Ambry Variant Classification Scheme 2023. Collection method: clinical testing. Allele origin: germline.
Comment: The p.L2039* pathogenic mutation (also known as c.6116T>A), located in coding exon 24 of the DSP gene, results from a T to A substitution at nucleotide position 6116. This changes the amino acid from a leucine to a stop codon within coding exon 24. This variant is considered to be rare based on population cohorts in the Genome Aggregation Database (gnomAD). This alteration is expected to result in loss of function by premature protein truncation or nonsense-mediated mRNA decay. As such, this alteration is interpreted as a disease-causing mutation.